The following is an entry in ClinVar:

NM_001080449.3(DNA2):c.452C>A (p.Pro151Gln)

Gene: DNA2 (DNA replication helicase/nuclease 2; minus strand). Cytogenetic location: 10q21.3.
Variant type: single nucleotide variant.
Coding change: c.452C>A on transcript NM_001080449.3 (MANE Select); coding-DNA position 452, C replaced by A.
Protein change: p.Pro151Gln; replaces proline 151 with glutamine.
Molecular consequence: missense variant. On other transcripts: non-coding transcript variant (1).
Genome position (GRCh38, 1-based): chr10:68,465,802, G>T on the plus strand (C>A on the coding strand, the complement: DNA2 is on the minus strand). VCF-style: chr10-68465802-G-T. GRCh37 (hg19) VCF-style: chr10-70225559-G-T.
Other names: short protein forms P151Q.
Identifiers: ClinVar variation 1304616 (VCV001304616.2), dbSNP rs369206536, ClinGen allele CA376828662.

ClinVar aggregate classification (germline): Uncertain significance (1 of 4 stars; one submission).

gnomAD v4.1: 9 of 1,554,668 alleles (0.00058%); highest among the groups gnomAD compares: Non-Finnish European, 0.00078%; no homozygotes.

Submission:

GeneDx
Classification: Uncertain significance. Last evaluated: 2019-05-15. Review status: criteria provided, single submitter. Criteria: GeneDx Variant Classification Process June 2021. Collection method: clinical testing. Allele origin: germline. Affected: yes.
Comment: Not observed in large population cohorts (Lek et al., 2016); In silico analysis, which includes protein predictors and evolutionary conservation, supports that this variant does not alter protein structure/function; Has not been previously published as pathogenic or benign to our knowledge